The following is an entry in ClinVar:

NM_197968.4(ZMYM2):c.3815A>G (p.Asn1272Ser)

Gene: ZMYM2 (zinc finger MYM-type containing 2; plus strand). Cytogenetic location: 13q12.11.
Variant type: single nucleotide variant.
Coding change: c.3815A>G on transcript NM_197968.4 (MANE Select); coding-DNA position 3815, A replaced by G.
Protein change: p.Asn1272Ser; replaces asparagine 1272 with serine.
Molecular consequence: missense variant. On other transcripts: non-coding transcript variant (1).
Genome position (GRCh38, 1-based): chr13:20,083,027, A>G. VCF-style: chr13-20083027-A-G. GRCh37 (hg19) VCF-style: chr13-20657167-A-G.
Other names: c.3815A>G, p.Asn1272Ser (NM_001190964.4, NM_001190965.4, NM_001353157.2 and 4 more transcripts); c.3620A>G, p.Asn1207Ser (NM_001353161.3); c.3554A>G, p.Asn1185Ser (NM_001353163.2); short protein forms N1185S, N1207S, N1272S.
Identifiers: ClinVar variation 3368317 (VCV003368317.1).

ClinVar aggregate classification (germline): Uncertain significance (1 of 4 stars; one submission).

Submission:

GeneDx
Classification: Uncertain significance. Last evaluated: 2024-01-25. Review status: criteria provided, single submitter. Criteria: GeneDx Variant Classification Process June 2021. Collection method: clinical testing. Allele origin: germline. Affected: yes.
Comment: Not observed at significant frequency in large population cohorts (gnomAD); In silico analysis supports that this missense variant does not alter protein structure/function; Has not been previously published as pathogenic or benign to our knowledge